The following is an entry in ClinVar:

ClinVar aggregate classification (germline): Uncertain significance (1 of 4 stars; one submission).

Submission:

Labcorp Genetics (formerly Invitae), Labcorp
Classification: Uncertain significance. Last evaluated: 2022-07-03. Review status: criteria provided, single submitter. Criteria: Invitae Variant Classification Sherloc (09022015). Collection method: clinical testing. Allele origin: germline.
Comment: In summary, the available evidence is currently insufficient to determine the role of this variant in disease. Therefore, it has been classified as a Variant of Uncertain Significance. Algorithms developed to predict the effect of missense changes on protein structure and function (SIFT, PolyPhen-2, Align-GVGD) all suggest that this variant is likely to be disruptive. This variant has not been reported in the literature in individuals affected with ARHGEF1-related conditions. This variant is not present in population databases (gnomAD no frequency). This sequence change replaces arginine, which is basic and polar, with leucine, which is neutral and non-polar, at codon 451 of the ARHGEF1 protein (p.Arg451Leu).

NM_004706.4(ARHGEF1):c.1307G>T (p.Arg436Leu)

Gene: ARHGEF1 (Rho guanine nucleotide exchange factor 1; plus strand). Cytogenetic location: 19q13.2.
Variant type: single nucleotide variant.
Coding change: c.1307G>T on transcript NM_004706.4 (MANE Select); coding-DNA position 1307, G replaced by T.
Protein change: p.Arg436Leu; replaces arginine 436 with leucine.
Molecular consequence: missense variant. On other transcripts: non-coding transcript variant (2).
Genome position (GRCh38, 1-based): chr19:41,901,926, G>T. VCF-style: chr19-41901926-G-T. GRCh37 (hg19) VCF-style: chr19-42406076-G-T.
Other names: c.1475G>T, p.Arg492Leu (NM_001396000.1); c.1208G>T, p.Arg403Leu (NM_001396002.1, NM_001396004.1, NM_198977.2); c.1307G>T, p.Arg436Leu (NM_001396003.1, NM_001396006.1); c.1352G>T, p.Arg451Leu (NM_199002.2); short protein forms R492L, R403L, R436L, R451L.
Identifiers: ClinVar variation 2011069 (VCV002011069.4), dbSNP rs1402507703, ClinGen allele CA406059992.